The following is an entry in ClinVar:

ClinVar aggregate classification (germline): Uncertain significance (1 of 4 stars; one submission).

Submission:

GeneDx
Classification: Uncertain significance. Last evaluated: 2026-01-28. Review status: criteria provided, single submitter. Criteria: GeneDx Variant Classification Process June 2021. Collection method: clinical testing. Allele origin: germline.
Comment: Not observed at significant frequency in large population cohorts (gnomAD); In silico analysis supports that this missense variant has a deleterious effect on protein structure/function; Has not been previously published as pathogenic or benign to our knowledge

NM_015015.3(KDM4B):c.646C>G (p.His216Asp)

Gene: KDM4B (lysine demethylase 4B; plus strand). Cytogenetic location: 19p13.3.
Variant type: single nucleotide variant.
Coding change: c.646C>G on transcript NM_015015.3 (MANE Select); coding-DNA position 646, C replaced by G.
Protein change: p.His216Asp; replaces histidine 216 with aspartic acid.
Molecular consequence: missense variant.
Genome position (GRCh38, 1-based): chr19:5,071,029, C>G. VCF-style: chr19-5071029-C-G. GRCh37 (hg19) VCF-style: chr19-5071040-C-G.
Other names: c.646C>G, p.His216Asp (NM_001370093.1, NM_001370094.1, NM_001411148.1); short protein forms H216D.
Identifiers: ClinVar variation 3899201 (VCV003899201.2).